The following is an entry in ClinVar:

ClinVar aggregate classification (germline): Uncertain significance (1 of 4 stars; one submission).

Conditions:
Familial adenomatous polyposis 1 (FAP1). Also called: FAMILIAL ADENOMATOUS POLYPOSIS 1, ATTENUATED; POLYPOSIS, ADENOMATOUS INTESTINAL. Identifiers: MedGen C2713442, MONDO:0021056, OMIM 175100. Disease mechanism: loss of function.

Submission:

Labcorp Genetics (formerly Invitae), Labcorp
Classification: Uncertain significance for Familial adenomatous polyposis 1. Last evaluated: 2025-05-05. Review status: criteria provided, single submitter. Criteria: Invitae Variant Classification Sherloc (09022015). Collection method: clinical testing. Allele origin: germline.
Comment: This sequence change replaces glutamic acid, which is acidic and polar, with alanine, which is neutral and non-polar, at codon 135 of the APC protein (p.Glu135Ala). This variant is not present in population databases (gnomAD no frequency). This variant has not been reported in the literature in individuals affected with APC-related conditions. ClinVar contains an entry for this variant (Variation ID: 2014531). Invitae Evidence Modeling of protein sequence and biophysical properties (such as structural, functional, and spatial information, amino acid conservation, physicochemical variation, residue mobility, and thermodynamic stability) indicates that this missense variant is not expected to disrupt APC protein function with a negative predictive value of 95%. In summary, the available evidence is currently insufficient to determine the role of this variant in disease. Therefore, it has been classified as a Variant of Uncertain Significance.

NM_000038.6(APC):c.404A>C (p.Glu135Ala)

Gene: APC (APC regulator of Wnt signaling pathway; plus strand). Cytogenetic location: 5q22.2.
Variant type: single nucleotide variant.
Coding change: c.404A>C on transcript NM_000038.6 (MANE Select); coding-DNA position 404, A replaced by C.
Protein change: p.Glu135Ala; replaces glutamic acid 135 with alanine.
Molecular consequence: missense variant. On other transcripts: 5 prime UTR variant (1).
Genome position (GRCh38, 1-based): chr5:112,767,372, A>C. VCF-style: chr5-112767372-A-C. GRCh37 (hg19) VCF-style: chr5-112103069-A-C.
Other names: c.404A>C, p.Glu135Ala (NM_001127510.3, NM_001354895.2, NM_001354896.2 and 16 more transcripts); c.434A>C, p.Glu145Ala (NM_001127511.3, NM_001354897.2, NM_001354902.2 and 1 more transcripts); c.329A>C, p.Glu110Ala (NM_001354898.2, NM_001354904.2, NM_001407451.1); c.227A>C, p.Glu76Ala (NM_001354900.2, NM_001354901.2, NM_001354905.2 and 1 more transcripts); c.-632A>C (NM_001354906.2, NM_001407470.1, NM_001407471.1 and 1 more transcripts); short protein forms E76A, E145A, E135A, E110A.
Identifiers: ClinVar variation 2014531 (VCV002014531.4), dbSNP rs2532302233, ClinGen allele CA16022201.
Genomic context (GRCh38, chr5:112,767,372, plus strand): 5'-TGGGTTCATTTCCAAGAAGAGGGTTTGTAAATGGAAGCAGAGAAAGTACTGGATATTTAG[A>C]AGAACTTGAGAAAGAGAGGTAACTTTTCTTCATATAGTAAACATTGCCTTGTGTACTCCA-3'
Protein context (NP_000029.2, residues 125-145): NGSRESTGYL[Glu135Ala]ELEKERSLLL